The following is an entry in ClinVar:

NM_005577.4(LPA):c.4974-2A>G

Gene: LPA (lipoprotein(a); minus strand). Cytogenetic location: 6q25.3.
Variant type: single nucleotide variant.
Coding change: c.4974-2A>G on transcript NM_005577.4 (MANE Select); the canonical splice acceptor site of the intron before coding-DNA position 4974, A replaced by G.
Molecular consequence: splice acceptor variant.
Genome position (GRCh38, 1-based): chr6:160,548,661, T>C on the plus strand (A>G on the coding strand, the complement: LPA is on the minus strand). VCF-style: chr6-160548661-T-C. GRCh37 (hg19) VCF-style: chr6-160969693-T-C.
Other names: NC_000006.11:g.160969693T>C; c.4974-2A>G (NM_005577.2).
Identifiers: ClinVar variation 975028 (VCV000975028.29), dbSNP rs143431368, ClinGen allele CA4085877.

ClinVar aggregate classification (germline): Benign/Likely benign. Review status: criteria provided, multiple submitters, no conflicts (2 of 4 stars). 3 submissions from 3 submitters: Benign (1); Likely benign (1). 1 of the submissions does not count toward it. Last evaluated 2026-08-01.

Conditions:
LPA-related disorder. Also called: LPA-related condition.
LIPOPROTEIN(a) POLYMORPHISM.

Allele frequency attached by ClinVar (database versions not stated): TOPMed 0.00193; gnomAD 0.00397 and 0.00414; ESP Exome Variant Server 0.00223; 1000 Genomes Project 30x 0.00375; 1000 Genomes Project 0.00379.

Submissions (7):

CeGaT Center for Human Genetics Tuebingen
Classification: Benign. Last evaluated: 2026-08-01. Review status: criteria provided, single submitter. Criteria: CeGaT Center For Human Genetics Tuebingen Variant Classification Criteria Version 2. Collection method: clinical testing. Allele origin: germline. Affected: yes. Observed: 2 variant alleles.
Comment: LPA: BS1, BS2

PreventionGenetics, part of Exact Sciences
Classification: Likely benign for LPA-related condition. Last evaluated: 2026-02-01. Review status: criteria provided, single submitter. Criteria: ACMG Guidelines, 2015. Collection method: clinical testing. Allele origin: germline.
Comment: This variant is classified as likely benign based on ACMG/AMP sequence variant interpretation guidelines (Richards et al. 2015 PMID: 25741868, with internal and published modifications).

OMIM
Classification: Benign for LIPOPROTEIN(a) POLYMORPHISM. Last evaluated: 2020-08-07. Review status: no assertion criteria provided. Collection method: literature only. Allele origin: germline. Not counted in ClinVar's aggregate classification.

Dr. Peter K. Rogan Lab, Western University
No classification provided (evidence only). Condition: Colon adenocarcinoma. Review status: no classification provided. Collection method: in vitro. Allele origin: not applicable. Functional consequence: retained intron. Not counted in ClinVar's aggregate classification.

Dr. Peter K. Rogan Lab, Western University
No classification provided (evidence only). Condition: Hepatocellular carcinoma. Review status: no classification provided. Collection method: in vitro. Allele origin: not applicable. Functional consequence: retained intron. Not counted in ClinVar's aggregate classification.

Dr. Peter K. Rogan Lab, Western University
No classification provided (evidence only). Condition: Hepatocellular carcinoma. Review status: no classification provided. Collection method: in vitro. Allele origin: not applicable. Functional consequence: retained intron. Not counted in ClinVar's aggregate classification.

Dr. Peter K. Rogan Lab, Western University
No classification provided (evidence only). Condition: Nonpapillary renal cell carcinoma. Review status: no classification provided. Collection method: in vitro. Allele origin: not applicable. Functional consequence: retained intron. Not counted in ClinVar's aggregate classification.

Literature cited by the submitters: PubMed 31865966 (cited by OMIM).